The following is an entry in ClinVar:

ClinVar aggregate classification (germline): Likely pathogenic (1 of 4 stars; one submission).

Conditions:
LAMA2-related muscular dystrophy (LAMA2-RD). Also called: Laminin alpha 2-related dystrophy. Identifiers: MedGen C5679788, MONDO:0100228.

gnomAD v4.1: 2 of 1,613,348 alleles (0.00012%); highest among the groups gnomAD compares: African/African-American, 0.0013%; no homozygotes.

Submission:

Myriad Genetics, Inc.
Classification: Likely pathogenic for LAMA2-related muscular dystrophy. Last evaluated: 2025-09-02. Review status: criteria provided, single submitter. Criteria: Myriad Autosomal Dominant, Autosomal Recessive and X-Linked Classification Criteria (2023). Collection method: clinical testing. Allele origin: unknown.
Comment: NM_000426.3(LAMA2):c.8988+1G>A is a variant in a canonical splice site classified as likely pathogenic in the context of muscular dystrophy, LAMA2-related. c.8988+1G>A has been observed in a case with relevant disease (PMID: 20207543). Relevant functional assessments of this variant are not available in the literature. c.8988+1G>A has not been observed in referenced population frequency databases. In summary, NM_000426.3(LAMA2):c.8988+1G>A is a variant in a canonical splice site in a gene where loss of function is a known mechanism of disease, is predicted to disrupt protein function, and has been observed more frequently in cases with the relevant disease than in healthy populations. Please note: this variant was assessed in the context of healthy population screening.

Literature cited by the submitters: PubMed 20207543.

NM_000426.4(LAMA2):c.8988+1G>A

Gene: LAMA2 (laminin subunit alpha 2; plus strand). Cytogenetic location: 6q22.33.
Variant type: single nucleotide variant.
Coding change: c.8988+1G>A on transcript NM_000426.4 (MANE Select); the canonical splice donor site of the intron after coding-DNA position 8988, G replaced by A.
Molecular consequence: splice donor variant.
Genome position (GRCh38, 1-based): chr6:129,512,494, G>A. VCF-style: chr6-129512494-G-A. GRCh37 (hg19) VCF-style: chr6-129833639-G-A.
Other names: c.8976+1G>A (NM_001079823.2).
Identifiers: ClinVar variation 5003262 (VCV005003262.1).